The following is an entry in ClinVar:

NM_004329.3(BMPR1A):c.15C>T (p.Tyr5=)

Gene: BMPR1A (bone morphogenetic protein receptor type 1A; plus strand). Cytogenetic location: 10q23.2.
Variant type: single nucleotide variant.
Coding change: c.15C>T on transcript NM_004329.3 (MANE Select); coding-DNA position 15, C replaced by T.
Protein change: p.Tyr5=; no amino-acid change (tyrosine 5 retained).
Molecular consequence: synonymous variant.
Genome position (GRCh38, 1-based): chr10:86,876,033, C>T. VCF-style: chr10-86876033-C-T. GRCh37 (hg19) VCF-style: chr10-88635790-C-T.
Identifiers: ClinVar variation 747449 (VCV000747449.15), dbSNP rs1392086533, ClinGen allele CA470365266.

ClinVar aggregate classification (germline): Benign/Likely benign. Review status: criteria provided, multiple submitters, no conflicts (2 of 4 stars). 4 submissions from 4 submitters: Benign (1); Likely benign (3). Last evaluated 2025-03-03.

Conditions:
Hereditary cancer-predisposing syndrome. Also called: Tumor predisposition; Hereditary Cancer Syndrome; Neoplastic Syndromes, Hereditary; Hereditary neoplastic syndrome. Identifiers: Orphanet 140162, MedGen C0027672, MeSH D009386, MONDO:0015356.
Juvenile polyposis syndrome (JPS). Identifiers: Orphanet 2929, MedGen C0345893, MONDO:0017380, OMIM 174900.

Allele frequency attached by ClinVar (database versions not stated): gnomAD exomes below 0.00001.
gnomAD v4.1: 1 of 1,610,592 alleles (0.000062%); highest among the groups gnomAD compares: South Asian, 0.0011%; no homozygotes.

Submissions (4):

Color Diagnostics, LLC DBA Color Health
Classification: Likely benign for Hereditary cancer-predisposing syndrome. Last evaluated: 2025-03-03. Review status: criteria provided, single submitter. Criteria: ACMG Guidelines, 2015. Collection method: clinical testing. Allele origin: germline.

Myriad Genetics, Inc.
Classification: Benign for Juvenile polyposis syndrome. Last evaluated: 2024-07-30. Review status: criteria provided, single submitter. Criteria: Myriad Autosomal Dominant, Autosomal Recessive and X-Linked Classification Criteria (2023). Collection method: clinical testing. Allele origin: unknown.
Comment: This variant is considered benign. This variant is a silent/synonymous amino acid change and it is not expected to impact splicing.

Ambry Genetics
Classification: Likely benign for Hereditary cancer-predisposing syndrome. Last evaluated: 2022-12-05. Review status: criteria provided, single submitter. Criteria: Ambry Variant Classification Scheme 2023. Collection method: clinical testing. Allele origin: germline.

Labcorp Genetics (formerly Invitae), Labcorp
Classification: Likely benign for Juvenile polyposis syndrome. Last evaluated: 2021-02-18. Review status: criteria provided, single submitter. Criteria: Invitae Variant Classification Sherloc (09022015). Collection method: clinical testing. Allele origin: germline.